The following is an entry in ClinVar:

ClinVar aggregate classification (germline): Pathogenic (1 of 4 stars; one submission).

Conditions:
Nemaline myopathy 2 (NEM2). Also called: Nemaline myopathy 2, autosomal recessive. Identifiers: MedGen C1850569, MONDO:0009725, OMIM 256030.

Submission:

Myriad Genetics, Inc.
Classification: Pathogenic for Nemaline myopathy 2. Last evaluated: 2024-12-13. Review status: criteria provided, single submitter. Criteria: Myriad Autosomal Dominant, Autosomal Recessive and X-Linked Classification Criteria (2023). Collection method: clinical testing. Allele origin: unknown.
Comment: NM_001271208.1(NEB):c.18623delTinsCAG(L6208Pfs*6) is expected to be pathogenic in the context of NEB-related nemaline myopathy. This variant is predicted to lead to an abnormal or absent protein product due to the creation of a premature termination codon in NEB, a gene where loss-of-function variants are known to be pathogenic. Please note: this variant was assessed in the context of healthy population screening.

NM_001164508.2(NEB):c.18623delinsCAG (p.Leu6208fs)

Gene: NEB (nebulin; minus strand). Cytogenetic location: 2q23.3.
Variant type: Indel.
Coding change: c.18623delinsCAG on transcript NM_001164508.2 (MANE Select); coding-DNA position 18623, T replaced by CAG.
Protein change: p.Leu6208fs; shifts the reading frame from leucine 6208.
Molecular consequence: frameshift variant.
Genome position (GRCh38, 1-based): chr2:151,563,676, A replaced by CTG on the plus strand (T replaced by CAG on the coding strand, the reverse complement: NEB is on the minus strand). VCF-style: chr2-151563676-A-CTG. GRCh37 (hg19) VCF-style: chr2-152420190-A-CTG.
Other names: c.18623delinsCAG, p.Leu6208fs (NM_001164507.2, NM_001271208.2); c.13520delinsCAG, p.Leu4507fs (NM_004543.5); short protein forms L4507fs, L6208fs.
Identifiers: ClinVar variation 5013849 (VCV005013849.1).
Genomic context (GRCh38, chr2:151,563,676, plus strand): 5'-ATCTTTTGGAAATCCAGACAGTGAACCACACCAGGGAATTCACCGATCACTTTTCCAGCC[A>CTG]GGTAGTGACCTTTCTGCTTCTCATATGTCTCTTTGTATTTAAGCTGTAAAGTGGGTTAAA-3'